The following is an entry in ClinVar:

ClinVar aggregate classification (germline): Likely benign. Review status: criteria provided, multiple submitters, no conflicts (2 of 4 stars). 2 submissions from 2 submitters: Likely benign (2). Last evaluated 2026-01-12.

Allele frequency attached by ClinVar (database versions not stated): TOPMed 0.00009; gnomAD 0.00011; 1000 Genomes Project 30x 0.00016; ExAC 0.00017; 1000 Genomes Project 0.00020; gnomAD exomes 0.00029.
gnomAD v4.1: 432 of 1,599,294 alleles (0.027%); highest among the groups gnomAD compares: Non-Finnish European, 0.03%; 1 homozygote.

Submissions (2):

Labcorp Genetics (formerly Invitae), Labcorp
Classification: Likely benign. Last evaluated: 2026-01-12. Review status: criteria provided, single submitter. Criteria: Invitae Variant Classification Sherloc (09022015). Collection method: clinical testing. Allele origin: germline.

CeGaT Center for Human Genetics Tuebingen
Classification: Likely benign. Last evaluated: 2025-06-01. Review status: criteria provided, single submitter. Criteria: CeGaT Center For Human Genetics Tuebingen Variant Classification Criteria Version 2. Collection method: clinical testing. Allele origin: germline. Affected: yes. Observed: 2 variant alleles.
Comment: ZMIZ1: BP4, BP7

NM_020338.4(ZMIZ1):c.1623G>A (p.Pro541=)

Gene: ZMIZ1 (zinc finger MIZ-type containing 1; plus strand). Cytogenetic location: 10q22.3.
Variant type: single nucleotide variant.
Coding change: c.1623G>A on transcript NM_020338.4 (MANE Select); coding-DNA position 1623, G replaced by A.
Protein change: p.Pro541=; no amino-acid change (proline 541 retained).
Molecular consequence: synonymous variant.
Genome position (GRCh38, 1-based): chr10:79,298,537, G>A. VCF-style: chr10-79298537-G-A. GRCh37 (hg19) VCF-style: chr10-81058294-G-A.
Identifiers: ClinVar variation 2196656 (VCV002196656.14), dbSNP rs201997438, ClinGen allele CA5572739.
Genomic context (GRCh38, chr10:79,298,537, plus strand): 5'-CCCTGGGAGCAGCATCCCTCCATACCTGTCCCCCAGCCAAGACGTCAAACCACCCTTCCC[G>A]CCTGACATCAAGCCAAATATGAGCGCTCTGCCACCACCCCCAGGTGAGGGCCCTCCCTCC-3'
Protein context (NP_065071.1, residues 531-551): SPSQDVKPPF[Pro541=]PDIKPNMSAL